The following is an entry in ClinVar:

ClinVar aggregate classification (germline): Uncertain significance (1 of 4 stars; one submission).

Allele frequency attached by ClinVar (database versions not stated): gnomAD exomes below 0.00001 and 0.00001; ExAC 0.00001.
gnomAD v4.1: 4 of 1,614,074 alleles (0.00025%); highest among the groups gnomAD compares: Non-Finnish European, 0.00034%; no homozygotes.

Submission:

GeneDx
Classification: Uncertain significance. Last evaluated: 2019-07-01. Review status: criteria provided, single submitter. Criteria: GeneDx Variant Classification Process June 2021. Collection method: clinical testing. Allele origin: germline. Affected: yes.
Comment: Has not been previously published as pathogenic or benign to our knowledge; Not observed at a significant frequency in large population cohorts (Lek et al., 2016); In silico analysis, which includes protein predictors and evolutionary conservation, supports that this variant does not alter protein structure/function; This variant is associated with the following publications: (PMID: 28191889)

NM_001148.6(ANK2):c.8798C>T (p.Ser2933Phe)

Gene: ANK2 (ankyrin 2; plus strand). Cytogenetic location: 4q26.
Variant type: single nucleotide variant.
Coding change: c.8798C>T on transcript NM_001148.6 (MANE Select); coding-DNA position 8798, C replaced by T.
Protein change: p.Ser2933Phe; replaces serine 2933 with phenylalanine.
Molecular consequence: missense variant. On other transcripts: intron variant (68).
Genome position (GRCh38, 1-based): chr4:113,357,416, C>T. VCF-style: chr4-113357416-C-T. GRCh37 (hg19) VCF-style: chr4-114278572-C-T.
Other names: c.8564C>T, p.Ser2855Phe (NM_001386142.1); c.5198C>T, p.Ser1733Phe (NM_001386166.1); c.8939C>T, p.Ser2980Phe (NM_001386174.1); c.8915C>T, p.Ser2972Phe (NM_001386175.1); c.4412-3407C>T (NM_001386186.2, NM_001386148.2); c.4214-3407C>T (NM_001354269.3); c.4292-3407C>T (NM_001386187.2); c.4253-3407C>T (NM_001386147.1); and 35 more; short protein forms S1733F, S2855F, S2933F, S2972F, S2980F.
Identifiers: ClinVar variation 1318565 (VCV001318565.2), dbSNP rs771003489, ClinGen allele CA3051833.